The following is an entry in ClinVar:

ClinVar aggregate classification (germline): Benign/Likely benign. Review status: criteria provided, multiple submitters, no conflicts (2 of 4 stars). 7 submissions from 7 submitters: Benign (5); Likely benign (2). Last evaluated 2026-01-05.

Conditions:
Developmental and epileptic encephalopathy, 69. Also called: EPILEPTIC ENCEPHALOPATHY, EARLY INFANTILE, 69. Identifiers: MedGen C4748988, MONDO:0032657, OMIM 618285.

Allele frequency attached by ClinVar (database versions not stated): gnomAD 0.00138 and 0.00127; 1000 Genomes Project 0.00140; TOPMed 0.00150; ExAC 0.00103; 1000 Genomes Project 30x 0.00125; ESP Exome Variant Server 0.00131.
gnomAD v4.1: 383 of 1,542,570 alleles (0.025%); highest among the groups gnomAD compares: African/African-American, 0.45%; no homozygotes.

Submissions (7):

Labcorp Genetics (formerly Invitae), Labcorp
Classification: Benign. Last evaluated: 2026-01-05. Review status: criteria provided, single submitter. Criteria: Invitae Variant Classification Sherloc (09022015). Collection method: clinical testing. Allele origin: germline.

Blueprint Genetics
Classification: Likely benign. Last evaluated: 2024-11-25. Review status: criteria provided, single submitter. Criteria: ACMG Guidelines, 2015. Collection method: clinical testing. Allele origin: germline.

ARUP Laboratories, Molecular Genetics and Genomics, ARUP Laboratories
Classification: Benign for Developmental and epileptic encephalopathy, 69. Last evaluated: 2023-12-22. Review status: criteria provided, single submitter. Criteria: ARUP Molecular Germline Variant Investigation Process 2024. Collection method: clinical testing. Allele origin: germline.

Genome-Nilou Lab
Classification: Benign for Developmental and epileptic encephalopathy, 69. Last evaluated: 2023-04-11. Review status: criteria provided, single submitter. Criteria: ACMG Guidelines, 2015. Collection method: clinical testing. Allele origin: germline. Affected: no.

CeGaT Center for Human Genetics Tuebingen
Classification: Likely benign. Last evaluated: 2022-11-01. Review status: criteria provided, single submitter. Criteria: CeGaT Center For Human Genetics Tuebingen Variant Classification Criteria Version 2. Collection method: clinical testing. Allele origin: germline. Affected: yes. Observed: 1 variant allele.
Comment: CACNA1E: BP4, BP7, BS1

GeneDx
Classification: Benign. Last evaluated: 2021-06-02. Review status: criteria provided, single submitter. Criteria: GeneDx Variant Classification Process June 2021. Collection method: clinical testing. Allele origin: germline. Affected: yes.

Breakthrough Genomics
Classification: Benign. Review status: criteria provided, single submitter. Criteria: ACMG Guidelines, 2015. Collection method: not provided. Allele origin: germline. Inheritance: Autosomal dominant inheritance. Affected: yes.

NM_001205293.3(CACNA1E):c.2328C>T (p.Ser776=)

Gene: CACNA1E (calcium voltage-gated channel subunit alpha1 E; plus strand). Cytogenetic location: 1q25.3.
Variant type: single nucleotide variant.
Coding change: c.2328C>T on transcript NM_001205293.3 (MANE Select); coding-DNA position 2328, C replaced by T.
Protein change: p.Ser776=; no amino-acid change (serine 776 retained).
Molecular consequence: synonymous variant.
Genome position (GRCh38, 1-based): chr1:181,732,414, C>T. VCF-style: chr1-181732414-C-T. GRCh37 (hg19) VCF-style: chr1-181701550-C-T.
Other names: c.2328C>T, p.Ser776= (NM_000721.4); c.2271C>T, p.Ser757= (NM_001205294.2).
Identifiers: ClinVar variation 1261104 (VCV001261104.36), dbSNP rs182071786, ClinGen allele CA1275332.